The following is an entry in ClinVar:

NM_001267550.2(TTN):c.81220G>A (p.Gly27074Arg)

Genes: TTN (titin; minus strand), TTN-AS1 (TTN antisense RNA 1; plus strand). Cytogenetic location: 2q31.2.
Variant type: single nucleotide variant.
Coding change: c.81220G>A on transcript NM_001267550.2 (MANE Select); coding-DNA position 81220, G replaced by A.
Protein change: p.Gly27074Arg; replaces glycine 27074 with arginine.
Molecular consequence: missense variant.
Genome position (GRCh38, 1-based): chr2:178,564,912, C>T on the plus strand (G>A on the coding strand, the complement: TTN is on the minus strand). VCF-style: chr2-178564912-C-T. GRCh37 (hg19) VCF-style: chr2-179429639-C-T.
Other names: c.76297G>A, p.Gly25433Arg (NM_001256850.1); c.54025G>A, p.Gly18009Arg (NM_003319.4); c.73516G>A, p.Gly24506Arg (NM_133378.4); c.54400G>A, p.Gly18134Arg (NM_133432.3); c.54601G>A, p.Gly18201Arg (NM_133437.4); short protein forms G18009R, G18134R, G18201R, G24506R, G25433R, G27074R.
Identifiers: ClinVar variation 1708926 (VCV001708926.5), dbSNP rs769814202, ClinGen allele CA1989237.

ClinVar aggregate classification (germline): Uncertain significance. Review status: criteria provided, multiple submitters, no conflicts (2 of 4 stars). 2 submissions from 2 submitters: Uncertain significance (2). Last evaluated 2025-04-22.

Allele frequency attached by ClinVar (database versions not stated): gnomAD 0.00001; ExAC 0.00002; TOPMed 0.00002; gnomAD exomes 0.00003.
gnomAD v4.1: 39 of 1,612,264 alleles (0.0024%); highest among the groups gnomAD compares: East Asian, 0.087%; no homozygotes.

Submissions (2):

GeneDx
Classification: Uncertain significance. Last evaluated: 2025-04-22. Review status: criteria provided, single submitter. Criteria: GeneDx Variant Classification Process June 2021. Collection method: clinical testing. Allele origin: germline. Affected: yes.
Comment: Identified in an individual with features of Holt-Oram syndrome who harbored additional variants in other genes (PMID: 29461882); Not observed at significant frequency in large population cohorts (gnomAD); Missense variant in a gene in which most reported pathogenic variants are truncating/loss of function; This variant is associated with the following publications: (PMID: 29461882)

Revvity Omics, Revvity
Classification: Uncertain significance. Last evaluated: 2024-05-23. Review status: criteria provided, single submitter. Criteria: ACMG Guidelines, 2015. Collection method: clinical testing. Allele origin: germline.